The following is an entry in ClinVar:

ClinVar aggregate classification (germline): Uncertain significance (1 of 4 stars; one submission).

Conditions:
Familial colorectal cancer. Identifiers: MedGen CN280943, MONDO:0023113. Disease mechanism: loss of function.

Submission:

Labcorp Genetics (formerly Invitae), Labcorp
Classification: Uncertain significance for Familial colorectal cancer. Last evaluated: 2022-08-16. Review status: criteria provided, single submitter. Criteria: Invitae Variant Classification Sherloc (09022015). Collection method: clinical testing. Allele origin: germline.
Comment: This variant results in a copy number gain of the genomic region encompassing the promoter of the GREM1 gene. The precise boundaries of this event are unknown. Two different tandem duplications (40 kb and 16 kb) spanning the 3' end of the SCG5 gene and the region upstream of the GREM1 gene have been reported in families with hereditary mixed polyposis syndrome (PMID: 22561515, 25992589, 26493165). However, the gain identified in this individual is different from those variants, and therefore the impact of the additional duplicated sequences on GREM1 expression and function has not been established. In summary, the available evidence is currently insufficient to determine the role of this variant in disease. Therefore, it has been classified as a Variant of Uncertain Significance.

Literature cited by the submitters: PubMed 22561515; PubMed 25992589; PubMed 26493165.

NC_000015.9:g.(?_32964740)_(33023456_?)dup

Genes: GREM1-AS1 (GREM1 antisense RNA 1; minus strand), ARHGAP11A-SCG5 (ARHGAP11A-SCG5 readthrough; plus strand), GREM1 (gremlin 1, DAN family BMP antagonist; plus strand), SCG5 (secretogranin V; plus strand), SCG5-AS1 (SCG5 antisense RNA 1; minus strand) and 1 more. Cytogenetic location: 15q13.3.
Variant type: Duplication.
Identifiers: ClinVar variation 583730 (VCV000583730.7).